The following is an entry in ClinVar:

NM_000135.4(FANCA):c.1715+1G>A

Gene: FANCA (FA complementation group A; minus strand). Cytogenetic location: 16q24.3.
Variant type: single nucleotide variant.
Coding change: c.1715+1G>A on transcript NM_000135.4 (MANE Select); the canonical splice donor site of the intron after coding-DNA position 1715, G replaced by A.
Molecular consequence: splice donor variant.
Genome position (GRCh38, 1-based): chr16:89,779,868, C>T on the plus strand (G>A on the coding strand, the complement: FANCA is on the minus strand). VCF-style: chr16-89779868-C-T. GRCh37 (hg19) VCF-style: chr16-89846276-C-T.
Other names: c.1715+1G>A (NM_001286167.3).
Identifiers: ClinVar variation 2906499 (VCV002906499.3), dbSNP rs1555552506, ClinGen allele CA397455775.

ClinVar aggregate classification (germline): Likely pathogenic (1 of 4 stars; one submission).

Conditions:
Fanconi anemia (FA). Also called: Fanconi's anemia. Identifiers: Orphanet 84, MedGen C0015625, MeSH D005199, MONDO:0019391.

Allele frequency attached by ClinVar (database versions not stated): gnomAD exomes below 0.00001.
gnomAD v4.1: 1 of 1,613,480 alleles (0.000062%); highest among the groups gnomAD compares: Non-Finnish European, 0.000085%; no homozygotes.

Submission:

Labcorp Genetics (formerly Invitae), Labcorp
Classification: Likely pathogenic for Fanconi anemia. Last evaluated: 2023-03-02. Review status: criteria provided, single submitter. Criteria: Invitae Variant Classification Sherloc (09022015). Collection method: clinical testing. Allele origin: germline.
Comment: This sequence change affects a donor splice site in intron 18 of the FANCA gene. It is expected to disrupt RNA splicing. Variants that disrupt the donor or acceptor splice site typically lead to a loss of protein function (PMID: 16199547), and loss-of-function variants in FANCA are known to be pathogenic (PMID: 19367192). This variant is not present in population databases (gnomAD no frequency). This variant has not been reported in the literature in individuals affected with FANCA-related conditions. Algorithms developed to predict the effect of sequence changes on RNA splicing suggest that this variant may disrupt the consensus splice site. In summary, the currently available evidence indicates that the variant is pathogenic, but additional data are needed to prove that conclusively. Therefore, this variant has been classified as Likely Pathogenic.

Literature cited by the submitters: PubMed 16199547; PubMed 19367192.